The following is an entry in ClinVar:

NM_198859.4(PRICKLE2):c.481G>A (p.Val161Ile)

Gene: PRICKLE2 (prickle planar cell polarity protein 2; minus strand). Cytogenetic location: 3p14.1.
Variant type: single nucleotide variant.
Coding change: c.481G>A on transcript NM_198859.4 (MANE Select); coding-DNA position 481, G replaced by A.
Protein change: p.Val161Ile; replaces valine 161 with isoleucine.
Molecular consequence: missense variant.
Genome position (GRCh38, 1-based): chr3:64,157,281, C>T on the plus strand (G>A on the coding strand, the complement: PRICKLE2 is on the minus strand). VCF-style: chr3-64157281-C-T. GRCh37 (hg19) VCF-style: chr3-64142957-C-T.
Other names: c.481G>A, p.Val161Ile (NM_001370528.1); short protein forms V161I.
Identifiers: ClinVar variation 478010 (VCV000478010.8), dbSNP rs773419206, ClinGen allele CA2479803.
Genomic context (GRCh38, chr3:64,157,281, plus strand): 5'-TCTTCCCATCTTGGTAAAAGTAGATCAGATCCACCAGGAGCTCATTGCAGACAGTGCATA[C>T]GAAGCACGGCGGGTGCCAGCAAACGCCGTGGCCAGCGCGTGACGCAAACACAGCGATGTC-3'
Protein context (NP_942559.1, residues 151-171): HGVCWHPPCF[Val161Ile]CTVCNELLVD

ClinVar aggregate classification (germline): Uncertain significance (1 of 4 stars; one submission).

Conditions:
Progressive myoclonic epilepsy type 5. Identifiers: Orphanet 402082, MedGen C5190799.

Allele frequency attached by ClinVar (database versions not stated): gnomAD 0.00001; gnomAD exomes 0.00001 and 0.00002; TOPMed 0.00002; ExAC 0.00003.
gnomAD v4.1: 18 of 1,614,094 alleles (0.0011%); highest among the groups gnomAD compares: East Asian, 0.016%; no homozygotes.

Submission:

Labcorp Genetics (formerly Invitae), Labcorp
Classification: Uncertain significance for Progressive myoclonic epilepsy type 5. Last evaluated: 2024-05-29. Review status: criteria provided, single submitter. Criteria: Invitae Variant Classification Sherloc (09022015). Collection method: clinical testing. Allele origin: germline.
Comment: This sequence change replaces valine, which is neutral and non-polar, with isoleucine, which is neutral and non-polar, at codon 161 of the PRICKLE2 protein (p.Val161Ile). This variant is present in population databases (rs773419206, gnomAD 0.02%). This variant has not been reported in the literature in individuals affected with PRICKLE2-related conditions. ClinVar contains an entry for this variant (Variation ID: 478010). Advanced modeling of protein sequence and biophysical properties (such as structural, functional, and spatial information, amino acid conservation, physicochemical variation, residue mobility, and thermodynamic stability) performed at Invitae indicates that this missense variant is not expected to disrupt PRICKLE2 protein function with a negative predictive value of 80%. In summary, the available evidence is currently insufficient to determine the role of this variant in disease. Therefore, it has been classified as a Variant of Uncertain Significance.